The following is an entry in ClinVar:

ClinVar aggregate classification (germline): Uncertain significance. Review status: criteria provided, multiple submitters, no conflicts (2 of 4 stars). 2 submissions from 2 submitters: Uncertain significance (2). Last evaluated 2026-01-20.

Conditions:
Hereditary cancer-predisposing syndrome. Also called: Hereditary Cancer Syndrome; Neoplastic Syndromes, Hereditary; Tumor predisposition; Hereditary neoplastic syndrome. Identifiers: Orphanet 140162, MedGen C0027672, MeSH D009386, MONDO:0015356.
Gorlin syndrome. Also called: Nevoid Basal Cell Carcinoma Syndrome; Basal cell nevus syndrome. Identifiers: Orphanet 377, MedGen C0004779, MONDO:0007187.
Medulloblastoma (MDB). Also called: MEDULLOBLASTOMA PREDISPOSITION SYNDROME; Medulloblastoma, somatic. Identifiers: Orphanet 616, MedGen C0025149, MeSH D008527, MONDO:0007959, OMIM 155255, HP:0002885.

Submissions (2):

Ambry Genetics
Classification: Uncertain significance for Hereditary cancer-predisposing syndrome. Last evaluated: 2026-01-20. Review status: criteria provided, single submitter. Criteria: Ambry Variant Classification Scheme 2023. Collection method: clinical testing. Allele origin: germline.
Comment: The p.E445A variant (also known as c.1334A>C), located in coding exon 11 of the SUFU gene, results from an A to C substitution at nucleotide position 1334. The glutamic acid at codon 445 is replaced by alanine, an amino acid with dissimilar properties. This amino acid position is conserved. In addition, this alteration is predicted to be tolerated by in silico analysis. Based on the available evidence, the clinical significance of this variant remains unclear.

Labcorp Genetics (formerly Invitae), Labcorp
Classification: Uncertain significance for Gorlin syndrome; Medulloblastoma. Last evaluated: 2024-11-18. Review status: criteria provided, single submitter. Criteria: Invitae Variant Classification Sherloc (09022015). Collection method: clinical testing. Allele origin: germline.
Comment: This sequence change replaces glutamic acid, which is acidic and polar, with alanine, which is neutral and non-polar, at codon 445 of the SUFU protein (p.Glu445Ala). This variant is not present in population databases (gnomAD no frequency). This variant has not been reported in the literature in individuals affected with SUFU-related conditions. Invitae Evidence Modeling of protein sequence and biophysical properties (such as structural, functional, and spatial information, amino acid conservation, physicochemical variation, residue mobility, and thermodynamic stability) indicates that this missense variant is not expected to disrupt SUFU protein function with a negative predictive value of 80%. In summary, the available evidence is currently insufficient to determine the role of this variant in disease. Therefore, it has been classified as a Variant of Uncertain Significance.

NM_016169.4(SUFU):c.1334A>C (p.Glu445Ala)

Gene: SUFU (SUFU negative regulator of hedgehog signaling; plus strand). Cytogenetic location: 10q24.32.
Variant type: single nucleotide variant.
Coding change: c.1334A>C on transcript NM_016169.4 (MANE Select); coding-DNA position 1334, A replaced by C.
Protein change: p.Glu445Ala; replaces glutamic acid 445 with alanine.
Molecular consequence: missense variant.
Genome position (GRCh38, 1-based): chr10:102,627,212, A>C. VCF-style: chr10-102627212-A-C. GRCh37 (hg19) VCF-style: chr10-104386969-A-C.
Other names: short protein forms E445A.
Identifiers: ClinVar variation 3752949 (VCV003752949.3).